The following is an entry in ClinVar:

NM_018359.5(UFSP2):c.1197C>T (p.Ile399=)

Gene: UFSP2 (UFM1 specific peptidase 2; minus strand). Cytogenetic location: 4q35.1.
Variant type: single nucleotide variant.
Coding change: c.1197C>T on transcript NM_018359.5 (MANE Select); coding-DNA position 1197, C replaced by T.
Protein change: p.Ile399=; no amino-acid change (isoleucine 399 retained).
Molecular consequence: synonymous variant. On other transcripts: non-coding transcript variant (2).
Genome position (GRCh38, 1-based): chr4:185,405,781, G>A on the plus strand (C>T on the coding strand, the complement: UFSP2 is on the minus strand). VCF-style: chr4-185405781-G-A. GRCh37 (hg19) VCF-style: chr4-186326935-G-A.
Identifiers: ClinVar variation 4822436 (VCV004822436.4).

ClinVar aggregate classification (germline): Likely benign (1 of 4 stars; one submission).

gnomAD v4.1: 18 of 1,613,784 alleles (0.0011%); highest among the groups gnomAD compares: Admixed American, 0.01%; no homozygotes.

Submission:

CeGaT Center for Human Genetics Tuebingen
Classification: Likely benign. Last evaluated: 2026-03-01. Review status: criteria provided, single submitter. Criteria: CeGaT Center For Human Genetics Tuebingen Variant Classification Criteria Version 2. Collection method: clinical testing. Allele origin: germline. Affected: yes. Observed: 1 variant allele.
Comment: UFSP2: BP4, BP7